The following is an entry in ClinVar:

NC_000017.10:g.(?_59924456)_(59938906_?)dup

Gene: BRIP1 (BRCA1 interacting DNA helicase 1; minus strand). Cytogenetic location: 17q23.2.
Variant type: Duplication.
Identifiers: ClinVar variation 530385 (VCV000530385.2).

ClinVar aggregate classification (germline): Uncertain significance (1 of 4 stars; one submission).

Conditions:
Fanconi anemia complementation group J. Also called: BRIP1-Related Fanconi Anemia. Identifiers: Orphanet 84, MedGen C1836860, MONDO:0012187, OMIM 609054.
Familial cancer of breast. Also called: BREAST CANCER, FAMILIAL; hereditary breast carcinoma; Hereditary breast cancer. Identifiers: Orphanet 227535, MedGen C0346153, MONDO:0016419, OMIM 114480. Disease mechanism: loss of function.

Submission:

Labcorp Genetics (formerly Invitae), Labcorp
Classification: Uncertain significance for Familial cancer of breast; Fanconi anemia complementation group J. Last evaluated: 2017-12-28. Review status: criteria provided, single submitter. Criteria: Invitae Variant Classification Sherloc (09022015). Collection method: clinical testing. Allele origin: germline.
Comment: This variant is a gross duplication of the genomic region encompassing exons 2-6 of the BRIP1 gene. The 5' end of this event is unknown as it extends beyond the assayed region for this gene and therefore may encompass additional genes. The 3' boundary is likely confined to intron 6 of the BRIP1 gene. The exact location of this variant in the genome is unknown. This variant has not been reported in the literature in individuals with BRIP1-related disease. Experimental studies and prediction algorithms are not available for this variant, and the functional significance of the duplicated amino acids is currently unknown. In summary, the available evidence is currently insufficient to determine the role of this variant in disease. Therefore, it has been classified as a Variant of Uncertain Significance.